The following is an entry in ClinVar:

NM_015450.3(POT1):c.53A>G (p.Lys18Arg)

Gene: POT1 (protection of telomeres 1; minus strand). Cytogenetic location: 7q31.33.
Variant type: single nucleotide variant.
Coding change: c.53A>G on transcript NM_015450.3 (MANE Select); coding-DNA position 53, A replaced by G.
Protein change: p.Lys18Arg; replaces lysine 18 with arginine.
Molecular consequence: missense variant. On other transcripts: 5 prime UTR variant (1), non-coding transcript variant (3).
Genome position (GRCh38, 1-based): chr7:124,892,337, T>C on the plus strand (A>G on the coding strand, the complement: POT1 is on the minus strand). VCF-style: chr7-124892337-T-C. GRCh37 (hg19) VCF-style: chr7-124532391-T-C.
Other names: c.-210A>G (NM_001042594.2); short protein forms K18R.
Identifiers: ClinVar variation 825701 (VCV000825701.7), dbSNP rs1584792012, ClinGen allele CA369066178.
Genomic context (GRCh38, chr7:124,892,337, plus strand): 5'-CTTAGATATGGGGGCTTAAAGAACTTCACAACACCATAGACATTGACAATTGTACCACCC[T>C]TAAGTTGATTCAGGGGTGTATATATATAATTTGTTGCTGGAACCTAAAGAAAGAGAAGAC-3'
Protein context (NP_056265.2, residues 8-28): NYIYTPLNQL[Lys18Arg]GGTIVNVYGV

ClinVar aggregate classification (germline): Uncertain significance. Review status: criteria provided, multiple submitters, no conflicts (2 of 4 stars). 2 submissions from 2 submitters: Uncertain significance (2). Last evaluated 2024-09-03.

Conditions:
Hereditary cancer-predisposing syndrome. Also called: Tumor predisposition; Hereditary Cancer Syndrome; Hereditary neoplastic syndrome; Neoplastic Syndromes, Hereditary. Identifiers: Orphanet 140162, MedGen C0027672, MeSH D009386, MONDO:0015356.
Tumor predisposition syndrome 3 (TPDS3). Also called: Glioma susceptibility 9; LONG TELOMERE SYNDROME, POT1-RELATED; POT1 Tumor Predisposition; Melanoma, cutaneous malignant, susceptibility to, 10. Identifiers: Orphanet 618, MedGen C4014476, MONDO:0014368, OMIM 615848.

Allele frequency attached by ClinVar (database versions not stated): TOPMed below 0.00001; gnomAD exomes 0.00001.
gnomAD v4.1: 12 of 1,530,284 alleles (0.00078%); highest among the groups gnomAD compares: Non-Finnish European, 0.001%; no homozygotes.

Submissions (2):

Labcorp Genetics (formerly Invitae), Labcorp
Classification: Uncertain significance for Tumor predisposition syndrome 3. Last evaluated: 2024-09-03. Review status: criteria provided, single submitter. Criteria: Invitae Variant Classification Sherloc (09022015). Collection method: clinical testing. Allele origin: germline.
Comment: This sequence change replaces lysine, which is basic and polar, with arginine, which is basic and polar, at codon 18 of the POT1 protein (p.Lys18Arg). This variant is not present in population databases (gnomAD no frequency). This variant has not been reported in the literature in individuals affected with POT1-related conditions. ClinVar contains an entry for this variant (Variation ID: 825701). Invitae Evidence Modeling of protein sequence and biophysical properties (such as structural, functional, and spatial information, amino acid conservation, physicochemical variation, residue mobility, and thermodynamic stability) indicates that this missense variant is not expected to disrupt POT1 protein function with a negative predictive value of 80%. In summary, the available evidence is currently insufficient to determine the role of this variant in disease. Therefore, it has been classified as a Variant of Uncertain Significance.

Ambry Genetics
Classification: Uncertain significance for Hereditary cancer-predisposing syndrome. Last evaluated: 2019-11-21. Review status: criteria provided, single submitter. Criteria: Ambry Variant Classification Scheme 2023. Collection method: clinical testing. Allele origin: germline.
Comment: The p.K18R variant (also known as c.53A>G), located in coding exon 2 of the POT1 gene, results from an A to G substitution at nucleotide position 53. The lysine at codon 18 is replaced by arginine, an amino acid with highly similar properties. This amino acid position is highly conserved in available vertebrate species. In addition, this alteration is predicted to be tolerated by in silico analysis. Since supporting evidence is limited at this time, the clinical significance of this alteration remains unclear.